The following is an entry in ClinVar:

ClinVar aggregate classification (germline): Pathogenic/Likely pathogenic. Review status: criteria provided, multiple submitters, no conflicts (2 of 4 stars). 4 submissions from 4 submitters: Pathogenic (1); Likely pathogenic (2). 1 of the submissions does not count toward it. Last evaluated 2025-10-05.

Conditions:
Early-onset myopathy with fatal cardiomyopathy (CMYO5). Also called: CONGENITAL MYOPATHY 5 WITH CARDIOMYOPATHY; Salih Myopathy. Identifiers: Orphanet 289377, MedGen C2673677, MONDO:0012714, OMIM 611705. Disease mechanism: loss of function.
Cardiovascular phenotype. Identifiers: MedGen CN230736.
Dilated cardiomyopathy 1G (CMD1G). Identifiers: Orphanet 154, MedGen C1858763, MONDO:0011400, OMIM 604145.
Autosomal recessive limb-girdle muscular dystrophy type 2J (LGMDR10). Also called: MUSCULAR DYSTROPHY, LIMB-GIRDLE, AUTOSOMAL RECESSIVE 10; Limb-girdle muscular dystrophy, type 2J. Identifiers: Orphanet 140922, MedGen C1837342, MONDO:0012127, OMIM 608807.

Submissions (4):

Labcorp Genetics (formerly Invitae), Labcorp
Classification: Likely pathogenic for Dilated cardiomyopathy 1G; Autosomal recessive limb-girdle muscular dystrophy type 2J. Last evaluated: 2025-10-05. Review status: criteria provided, single submitter. Criteria: Invitae Variant Classification Sherloc (09022015). Collection method: clinical testing. Allele origin: germline.
Comment: This sequence change creates a premature translational stop signal (p.Trp30640*) in the TTN gene. While this is not anticipated to result in nonsense mediated decay, it is expected to create a truncated TTN protein. This variant is not present in population databases (gnomAD no frequency). This premature translational stop signal has been observed in individual(s) with cardiomyopathy (PMID: 39844436). ClinVar contains an entry for this variant (Variation ID: 1030165). This variant is located in the A band of TTN (PMID: 25589632). Truncating variants in this region are significantly overrepresented in patients affected with dilated cardiomyopathy (PMID: 25589632). Truncating variants in this region have also been reported in individuals affected with autosomal recessive centronuclear myopathy (PMID: 23975875). In summary, the currently available evidence indicates that the variant is pathogenic, but additional data are needed to prove that conclusively. Therefore, this variant has been classified as Likely Pathogenic.

Ambry Genetics
Classification: Likely pathogenic for Cardiovascular phenotype. Last evaluated: 2022-10-12. Review status: criteria provided, single submitter. Criteria: Ambry Variant Classification Scheme 2023. Collection method: clinical testing. Allele origin: germline.
Comment: The p.W21575* variant (also known as c.64725G>A), located in coding exon 165 of the TTN gene, results from a G to A substitution at nucleotide position 64725. This changes the amino acid from a tryptophan to a stop codon within coding exon 165. This exon is located in the A-band region of the N2-B isoform of the titin protein and is constitutively expressed in TTN transcripts (percent spliced in or PSI 100%). This variant is considered to be rare based on population cohorts in the Genome Aggregation Database (gnomAD). This alteration is expected to result in loss of function by premature protein truncation or nonsense-mediated mRNA decay. While truncating variants in TTN are present in 1-3% of the general population, truncating variants in the A-band are the most common cause of dilated cardiomyopathy (DCM) (Herman DS et al. N. Engl. J. Med., 2012 Feb;366:619-28; Roberts AM et al. Sci Transl Med, 2015 Jan;7:270ra6). TTN truncating variants encoded in constitutive exons (PSI >90%) have been found to be significantly associated with DCM regardless of their position in titin (Schafer S et al. Nat. Genet., 2017 01;49:46-53). Based on the majority of available evidence to date, this variant is likely to be pathogenic.

Baylor Genetics
Classification: Pathogenic for Early-onset myopathy with fatal cardiomyopathy. Last evaluated: 2020-07-01. Review status: criteria provided, single submitter. Criteria: ACMG Guidelines, 2015. Collection method: clinical testing. Allele origin: unknown. Affected: yes.
Comment: This variant was determined to be pathogenic according to ACMG Guidelines, 2015 [PMID:25741868].

Cardiogenetics and Myogenetics Molecular and Cellular Functional Unit, Aphp Sorbonne University-Hopital Pitie Salpetriere
Classification: Likely pathogenic for Dilated cardiomyopathy 1G. Last evaluated: 2024-01-06. Review status: no assertion criteria provided. Collection method: clinical testing. Allele origin: germline. Affected: yes. Not counted in ClinVar's aggregate classification.

Literature cited by the submitters: PubMed 39844436 (cited by Labcorp Genetics (formerly Invitae), Labcorp); PubMed 25589632 (cited by Labcorp Genetics (formerly Invitae), Labcorp); PubMed 23975875 (cited by Labcorp Genetics (formerly Invitae), Labcorp); PubMed 34135346 (cited by Ambry Genetics).

NM_001267550.2(TTN):c.91920G>A (p.Trp30640Ter)

Genes: TTN-AS1 (TTN antisense RNA 1; plus strand), TTN (titin; minus strand). Cytogenetic location: 2q31.2.
Variant type: single nucleotide variant.
Coding change: c.91920G>A on transcript NM_001267550.2 (MANE Select); coding-DNA position 91920, G replaced by A.
Protein change: p.Trp30640Ter; replaces tryptophan 30640 with a stop codon.
Molecular consequence: nonsense.
Genome position (GRCh38, 1-based): chr2:178,549,802, C>T on the plus strand (G>A on the coding strand, the complement: TTN is on the minus strand). VCF-style: chr2-178549802-C-T. GRCh37 (hg19) VCF-style: chr2-179414529-C-T.
Other names: c.86997G>A, p.Trp28999Ter (NM_001256850.1); c.64725G>A, p.Trp21575Ter (NM_003319.4); c.84216G>A, p.Trp28072Ter (NM_133378.4); c.65100G>A, p.Trp21700Ter (NM_133432.3); c.65301G>A, p.Trp21767Ter (NM_133437.4); short protein forms W21575*, W28999*, W21700*, W28072*, W21767*, W30640*.
Identifiers: ClinVar variation 1030165 (VCV001030165.9), dbSNP rs1698600051, ClinGen allele CA349495863.